The following is an entry in ClinVar:

ClinVar aggregate classification (germline): Uncertain significance. Review status: criteria provided, multiple submitters, no conflicts (2 of 4 stars). 2 submissions from 2 submitters: Uncertain significance (2). Last evaluated 2023-03-13.

Conditions:
Autism, susceptibility to, X-linked 2 (AUTSX2). Also called: Autism susceptibility, X-linked 2. Identifiers: MedGen C1845539, MONDO:0010341, OMIM 300495.
Inborn genetic diseases. Identifiers: MedGen C0950123, MeSH D030342.

Submissions (2):

University of Washington Department of Laboratory Medicine, University of Washington
Classification: Uncertain significance for Autism, susceptibility to, X-linked 2. Last evaluated: 2023-03-13. Review status: criteria provided, single submitter. Criteria: ACMG Guidelines, 2015. Collection method: clinical testing. Allele origin: unknown. Affected: yes.
Comment: The p.Trp633Arg variant in the NLGN4X gene has not been previously reported in association with disease. This variant has been submitted to ClinVar (Variation ID: 2218987) and was absent from large population databases, including the Genome Aggregation Database. In silico tools predict that the p.Trp633Arg variant does not impact protein function; however, these predictions have not been tested directly. Using ACMG guidelines, this variant was classified as a variant of uncertain significance (ACMG evidence codes used: PM2_supporting, BP4).

Ambry Genetics
Classification: Uncertain significance for Inborn genetic diseases. Last evaluated: 2021-08-02. Review status: criteria provided, single submitter. Criteria: Ambry Variant Classification Scheme 2023. Collection method: clinical testing. Allele origin: germline.

NM_181332.3(NLGN4X):c.1897T>C (p.Trp633Arg)

Gene: NLGN4X (neuroligin 4 X-linked; minus strand). Cytogenetic location: Xp22.32.
Variant type: single nucleotide variant.
Coding change: c.1897T>C on transcript NM_181332.3 (MANE Select); coding-DNA position 1897, T replaced by C.
Protein change: p.Trp633Arg; replaces tryptophan 633 with arginine.
Molecular consequence: missense variant.
Genome position (GRCh38, 1-based): chrX:5,893,371, A>G on the plus strand (T>C on the coding strand, the complement: NLGN4X is on the minus strand). VCF-style: chrX-5893371-A-G. GRCh37 (hg19) VCF-style: chrX-5811412-A-G.
Other names: c.1897T>C (NM_001282145.1); c.1897T>C, p.Trp633Arg (NM_001282145.2, NM_001282146.2, NM_020742.4); short protein forms W633R.
Identifiers: ClinVar variation 2218987 (VCV002218987.3), dbSNP rs2031306137, ClinGen allele CA412013447.